The following is an entry in ClinVar:

NM_018417.6(ADCY10):c.2353C>A (p.His785Asn)

Gene: ADCY10 (adenylate cyclase 10; minus strand). Cytogenetic location: 1q24.2.
Variant type: single nucleotide variant.
Coding change: c.2353C>A on transcript NM_018417.6 (MANE Select); coding-DNA position 2353, C replaced by A.
Protein change: p.His785Asn; replaces histidine 785 with asparagine.
Molecular consequence: missense variant.
Genome position (GRCh38, 1-based): chr1:167,848,445, G>T on the plus strand (C>A on the coding strand, the complement: ADCY10 is on the minus strand). VCF-style: chr1-167848445-G-T. GRCh37 (hg19) VCF-style: chr1-167817683-G-T.
Other names: c.1894C>A, p.His632Asn (NM_001167749.3); c.2077C>A, p.His693Asn (NM_001297772.2); short protein forms H632N, H785N, H693N.
Identifiers: ClinVar variation 1945053 (VCV001945053.7), dbSNP rs200851103, ClinGen allele CA31406873.

ClinVar aggregate classification (germline): Uncertain significance. Review status: criteria provided, multiple submitters, no conflicts (2 of 4 stars). 2 submissions from 2 submitters: Uncertain significance (2). Last evaluated 2023-09-13.

Allele frequency attached by ClinVar (database versions not stated): gnomAD 0.00001; gnomAD exomes 0.00001.
gnomAD v4.1: 14 of 1,613,436 alleles (0.00087%); highest among the groups gnomAD compares: Non-Finnish European, 0.0011%; no homozygotes.

Submissions (2):

Ambry Genetics
Classification: Uncertain significance. Last evaluated: 2023-09-13. Review status: criteria provided, single submitter. Criteria: Ambry Variant Classification Scheme 2023. Collection method: clinical testing. Allele origin: germline.

Labcorp Genetics (formerly Invitae), Labcorp
Classification: Uncertain significance. Last evaluated: 2022-09-03. Review status: criteria provided, single submitter. Criteria: Invitae Variant Classification Sherloc (09022015). Collection method: clinical testing. Allele origin: germline.
Comment: In summary, the available evidence is currently insufficient to determine the role of this variant in disease. Therefore, it has been classified as a Variant of Uncertain Significance. Algorithms developed to predict the effect of missense changes on protein structure and function output the following: SIFT: "Tolerated"; PolyPhen-2: "Benign"; Align-GVGD: "Class C0". The asparagine amino acid residue is found in multiple mammalian species, which suggests that this missense change does not adversely affect protein function. This variant has not been reported in the literature in individuals affected with ADCY10-related conditions. This variant is present in population databases (rs200851103, gnomAD 0.002%). This sequence change replaces histidine, which is basic and polar, with asparagine, which is neutral and polar, at codon 785 of the ADCY10 protein (p.His785Asn).